The following is an entry in ClinVar:

NM_014244.5(ADAMTS2):c.724G>A (p.Ala242Thr)

Gene: ADAMTS2 (ADAM metallopeptidase with thrombospondin type 1 motif 2; minus strand). Cytogenetic location: 5q35.3.
Variant type: single nucleotide variant.
Coding change: c.724G>A on transcript NM_014244.5 (MANE Select); coding-DNA position 724, G replaced by A.
Protein change: p.Ala242Thr; replaces alanine 242 with threonine.
Molecular consequence: missense variant.
Genome position (GRCh38, 1-based): chr5:179,207,680, C>T on the plus strand (G>A on the coding strand, the complement: ADAMTS2 is on the minus strand). VCF-style: chr5-179207680-C-T. GRCh37 (hg19) VCF-style: chr5-178634681-C-T.
Other names: p.Ala242Thr; c.724G>A, p.Ala242Thr (NM_021599.4); short protein forms A242T.
Identifiers: ClinVar variation 353135 (VCV000353135.60), dbSNP rs372103269, ClinGen allele CA3596189.

ClinVar aggregate classification (germline): Conflicting classifications of pathogenicity. Review status: criteria provided, conflicting classifications (1 of 4 stars). 8 submissions from 8 submitters: Uncertain significance (6); Likely benign (1). 1 of the submissions does not count toward it. Last evaluated 2025-12-24.

Conditions:
Ehlers-Danlos syndrome, dermatosparaxis type. Also called: EDS VIIC; Dermatosparaxis; Ehlers-Danlos syndrome, type VII, autosomal recessive. Identifiers: Orphanet 1901, MedGen C2700425, MONDO:0009161, OMIM 225410.
Ehlers-Danlos syndrome (EDS). Identifiers: Orphanet 98249, MedGen C0013720, MONDO:0020066.

Allele frequency attached by ClinVar (database versions not stated): ESP Exome Variant Server 0.00008; ExAC 0.00020; gnomAD exomes 0.00020; TOPMed 0.00024; gnomAD 0.00026; 1000 Genomes Project 30x 0.00031; 1000 Genomes Project 0.00060.
gnomAD v4.1: 421 of 1,613,098 alleles (0.026%); highest among the groups gnomAD compares: Middle Eastern, 0.15%; no homozygotes.

Submissions (8):

Women's Health and Genetics/Laboratory Corporation of America, LabCorp
Classification: Uncertain significance. Last evaluated: 2025-12-24. Review status: criteria provided, single submitter. Criteria: LabCorp Variant Classification Summary - May 2015. Collection method: clinical testing. Allele origin: germline.
Comment: Variant summary: ADAMTS2 c.724G>A (p.Ala242Thr) results in a non-conservative amino acid change in the encoded protein sequence. Algorithms developed to predict the effect of missense changes on protein structure and function are either unavailable or do not agree on the potential impact of this missense change. The variant allele was found at a frequency of 0.0002 in 250636 control chromosomes. This frequency is not significantly higher than estimated for disease-causing variants in ADAMTS2, allowing no conclusion about variant significance. To our knowledge, no occurrence of c.724G>A in individuals affected with ADAMTS2-related conditions and no experimental evidence demonstrating its impact on protein function have been reported. ClinVar contains an entry for this variant (Variation ID: 353135). Based on the evidence outlined above, the variant was classified as uncertain significance.

CeGaT Center for Human Genetics Tuebingen
Classification: Uncertain significance. Last evaluated: 2025-11-01. Review status: criteria provided, single submitter. Criteria: CeGaT Center For Human Genetics Tuebingen Variant Classification Criteria Version 2. Collection method: clinical testing. Allele origin: germline. Affected: yes. Observed: 4 variant alleles.
Comment: ADAMTS2: PM2, BP4

Labcorp Genetics (formerly Invitae), Labcorp
Classification: Uncertain significance for Ehlers-Danlos syndrome, dermatosparaxis type. Last evaluated: 2025-01-27. Review status: criteria provided, single submitter. Criteria: Invitae Variant Classification Sherloc (09022015). Collection method: clinical testing. Allele origin: germline.
Comment: This sequence change replaces alanine, which is neutral and non-polar, with threonine, which is neutral and polar, at codon 242 of the ADAMTS2 protein (p.Ala242Thr). This variant is present in population databases (rs372103269, gnomAD 0.03%). This variant has not been reported in the literature in individuals affected with ADAMTS2-related conditions. ClinVar contains an entry for this variant (Variation ID: 353135). An algorithm developed to predict the effect of missense changes on protein structure and function outputs the following: PolyPhen-2: "Benign". The threonine amino acid residue is found in multiple mammalian species, which suggests that this missense change does not adversely affect protein function. In summary, the available evidence is currently insufficient to determine the role of this variant in disease. Therefore, it has been classified as a Variant of Uncertain Significance.

Genome Diagnostics Laboratory, The Hospital for Sick Children
Classification: Uncertain significance for Ehlers-Danlos syndrome. Last evaluated: 2022-08-09. Review status: criteria provided, single submitter. Criteria: ACMG Guidelines, 2015. Collection method: clinical testing. Allele origin: germline.

Mayo Clinic Laboratories, Mayo Clinic
Classification: Uncertain significance. Last evaluated: 2021-09-23. Review status: criteria provided, single submitter. Criteria: ACMG Guidelines, 2015. Collection method: clinical testing. Allele origin: germline.

GeneDx
Classification: Likely benign. Last evaluated: 2020-04-29. Review status: criteria provided, single submitter. Criteria: GeneDx Variant Classification Process June 2021. Collection method: clinical testing. Allele origin: germline. Affected: yes.
Comment: Has not been previously published as pathogenic or benign to our knowledge; The A242T has been reported as a variant of uncertain significance by other laboratories in ClinVar (SCV000493398.5; SCV000824874.1; Landrum et al., 2016).

Illumina Laboratory Services, Illumina
Classification: Uncertain significance for Ehlers-Danlos syndrome, dermatosparaxis type. Last evaluated: 2018-01-13. Review status: criteria provided, single submitter. Criteria: ICSL Variant Classification Criteria 13 December 2019. Collection method: clinical testing. Allele origin: germline.

Natera, Inc.
Classification: Likely benign for Ehlers-Danlos syndrome type VIIC. Last evaluated: 2020-04-20. Review status: no assertion criteria provided. Collection method: clinical testing. Allele origin: germline. Not counted in ClinVar's aggregate classification.